The following is an entry in ClinVar:

ClinVar aggregate classification (germline): Uncertain significance (1 of 4 stars; one submission).

Conditions:
Niemann-Pick disease, type C1. Also called: NEUROVISCERAL STORAGE DISEASE WITH VERTICAL SUPRANUCLEAR OPHTHALMOPLEGIA; NIEMANN-PICK DISEASE WITH CHOLESTEROL ESTERIFICATION BLOCK; NIEMANN-PICK DISEASE WITHOUT SPHINGOMYELINASE DEFICIENCY; NIEMANN-PICK DISEASE, CHRONIC NEURONOPATHIC FORM; NIEMANN-PICK DISEASE, VARIANT TYPE C1. Identifiers: Orphanet 646, MedGen C3179455, MONDO:0009757, OMIM 257220.

Submission:

Labcorp Genetics (formerly Invitae), Labcorp
Classification: Uncertain significance for Niemann-Pick disease, type C1. Last evaluated: 2021-10-18. Review status: criteria provided, single submitter. Criteria: Invitae Variant Classification Sherloc (09022015). Collection method: clinical testing. Allele origin: germline.
Comment: This variant is not present in population databases (ExAC no frequency). In summary, the available evidence is currently insufficient to determine the role of this variant in disease. Therefore, it has been classified as a Variant of Uncertain Significance. Algorithms developed to predict the effect of missense changes on protein structure and function are either unavailable or do not agree on the potential impact of this missense change (SIFT: "Tolerated"; PolyPhen-2: "Probably Damaging"; Align-GVGD: "Class C0"). This variant has not been reported in the literature in individuals affected with NPC1-related conditions. This sequence change replaces alanine with aspartic acid at codon 1258 of the NPC1 protein (p.Ala1258Asp). The alanine residue is moderately conserved and there is a moderate physicochemical difference between alanine and aspartic acid.

NM_000271.5(NPC1):c.3773C>A (p.Ala1258Asp)

Gene: NPC1 (NPC intracellular cholesterol transporter 1; minus strand). Cytogenetic location: 18q11.2.
Variant type: single nucleotide variant.
Coding change: c.3773C>A on transcript NM_000271.5 (MANE Select); coding-DNA position 3773, C replaced by A.
Protein change: p.Ala1258Asp; replaces alanine 1258 with aspartic acid.
Molecular consequence: missense variant.
Genome position (GRCh38, 1-based): chr18:23,532,266, G>T on the plus strand (C>A on the coding strand, the complement: NPC1 is on the minus strand). VCF-style: chr18-23532266-G-T. GRCh37 (hg19) VCF-style: chr18-21112230-G-T.
Other names: short protein forms A1258D.
Identifiers: ClinVar variation 1482703 (VCV001482703.6), dbSNP rs767400384, ClinGen allele CA401790438.
Genomic context (GRCh38, chr18:23,532,266, plus strand): 5'-AAATTTAGAAGCCGTTCGCGCTCTGTTCCTTTGTATCGCTCTTCAGTGGCACAACTTTTG[G>T]CTTTATTTACTGATGGCCCTATGAGAGAGAGAGACTTTTTCTTATTTCTGCAGGAGAAAG-3'
Protein context (NP_000262.2, residues 1248-1268): LSYIGPSVNK[Ala1258Asp]KSCATEERYK